The following is an entry in ClinVar:

ClinVar aggregate classification (germline): Benign. Review status: criteria provided, multiple submitters, no conflicts (2 of 4 stars). 10 submissions from 10 submitters: Benign (8). 2 of the submissions do not count toward it. Last evaluated 2026-02-01.

Conditions:
Primary ciliary dyskinesia 3. Identifiers: Orphanet 244, MedGen C1837618, MONDO:0012085, OMIM 608644.
Primary ciliary dyskinesia. Also called: Ciliary dyskinesia. Identifiers: Orphanet 244, MedGen C0008780, MONDO:0016575, HP:0012265.

Allele frequency attached by ClinVar (database versions not stated): gnomAD exomes 0.00297 and 0.00755; ExAC 0.00902; gnomAD 0.02672 and 0.02846; TOPMed 0.02927; ESP Exome Variant Server 0.03268; 1000 Genomes Project 0.03654; 1000 Genomes Project 30x 0.03701.
gnomAD v4.1: 8,604 of 1,613,478 alleles (0.53%); highest among the groups gnomAD compares: African/African-American, 9.4%; 341 homozygotes.

Submissions (19):

Labcorp Genetics (formerly Invitae), Labcorp
Classification: Benign for Primary ciliary dyskinesia. Last evaluated: 2026-02-01. Review status: criteria provided, single submitter. Criteria: Invitae Variant Classification Sherloc (09022015). Collection method: clinical testing. Allele origin: germline.

Mayo Clinic Laboratories, Mayo Clinic
Classification: Benign. Last evaluated: 2023-01-15. Review status: criteria provided, single submitter. Criteria: ACMG Guidelines, 2015. Collection method: clinical testing. Allele origin: germline. Observed: 12 variant alleles.

GeneDx
Classification: Benign. Last evaluated: 2019-02-28. Review status: criteria provided, single submitter. Criteria: GeneDx Variant Classification Process June 2021. Collection method: clinical testing. Allele origin: germline. Affected: yes.

Illumina Laboratory Services, Illumina
Classification: Benign for Primary ciliary dyskinesia 3. Last evaluated: 2018-01-12. Review status: criteria provided, single submitter. Criteria: ICSL Variant Classification Criteria 13 December 2019. Collection method: clinical testing. Allele origin: germline.
Comment: This variant was observed in the ICSL laboratory as part of a predisposition screen in an ostensibly healthy population. It had not been previously curated by ICSL or reported in the Human Gene Mutation Database (HGMD: prior to June 1st, 2018), and was therefore a candidate for classification through an automated scoring system. Utilizing variant allele frequency, disease prevalence and penetrance estimates, and inheritance mode, an automated score was calculated to assess if this variant is too frequent to cause the disease. Based on the score and internal cut-off values, a variant classified as benign is not then subjected to further curation. The score for this variant resulted in a classification of benign for this disease.

Ambry Genetics
Classification: Benign for Primary ciliary dyskinesia. Last evaluated: 2015-01-16. Review status: criteria provided, single submitter. Criteria: Ambry Variant Classification Scheme 2023. Collection method: clinical testing. Allele origin: germline.

Laboratory for Molecular Medicine, Mass General Brigham Personalized Medicine
Classification: Benign. Last evaluated: 2013-02-21. Review status: criteria provided, single submitter. Criteria: LMM Criteria. Collection method: clinical testing. Allele origin: germline. Observed: 2 variant alleles.
Comment: Ser465Ser in exon 11 of DNAH5: This variant is not expected to have clinical sig nificance because it does not alter an amino acid residue and is not located wit hin the splice consensus sequence. It has been identified in 9.5% (418/4406) of African American chromosomes from a broad population by the NHLBI Exome Sequenci ng Project (dbSNP rs34580014).

Breakthrough Genomics
Classification: Benign. Review status: criteria provided, single submitter. Criteria: ACMG Guidelines, 2015. Collection method: not provided. Allele origin: germline. Inheritance: Autosomal recessive inheritance. Affected: yes.

PreventionGenetics, part of Exact Sciences
Classification: Benign. Review status: criteria provided, single submitter. Criteria: ACMG Guidelines, 2015. Collection method: clinical testing. Allele origin: germline.

Natera, Inc.
Classification: Benign for Primary ciliary dyskinesia. Last evaluated: 2020-09-16. Review status: no assertion criteria provided. Collection method: clinical testing. Allele origin: germline. Not counted in ClinVar's aggregate classification.

Counsyl
Classification: Benign for Primary ciliary dyskinesia 3. Last evaluated: 2017-03-06. Review status: no assertion criteria provided. Collection method: clinical testing. Allele origin: unknown. Not counted in ClinVar's aggregate classification.

Dr. Peter K. Rogan Lab, Western University
No classification provided (evidence only). Condition: Clear cell carcinoma of kidney. Review status: no classification provided. Collection method: in vitro. Allele origin: not applicable. Functional consequence: retained intron. Not counted in ClinVar's aggregate classification.

Dr. Peter K. Rogan Lab, Western University
No classification provided (evidence only). Condition: Clear cell carcinoma of kidney. Review status: no classification provided. Collection method: in vitro. Allele origin: not applicable. Functional consequence: retained intron. Not counted in ClinVar's aggregate classification.

Dr. Peter K. Rogan Lab, Western University
No classification provided (evidence only). Condition: Lung cancer. Review status: no classification provided. Collection method: in vitro. Allele origin: not applicable. Functional consequence: retained intron. Not counted in ClinVar's aggregate classification.

Dr. Peter K. Rogan Lab, Western University
No classification provided (evidence only). Condition: Thyroid cancer, nonmedullary, 1. Review status: no classification provided. Collection method: in vitro. Allele origin: not applicable. Functional consequence: retained intron. Not counted in ClinVar's aggregate classification.

Dr. Peter K. Rogan Lab, Western University
No classification provided (evidence only). Condition: Thyroid cancer, nonmedullary, 1. Review status: no classification provided. Collection method: in vitro. Allele origin: not applicable. Functional consequence: retained intron. Not counted in ClinVar's aggregate classification.

Dr. Peter K. Rogan Lab, Western University
No classification provided (evidence only). Condition: Uterine corpus endometrial carcinoma. Review status: no classification provided. Collection method: in vitro. Allele origin: not applicable. Functional consequence: retained intron. Not counted in ClinVar's aggregate classification.

Dr. Peter K. Rogan Lab, Western University
No classification provided (evidence only). Condition: Uterine corpus endometrial carcinoma. Review status: no classification provided. Collection method: in vitro. Allele origin: not applicable. Functional consequence: retained intron. Not counted in ClinVar's aggregate classification.

Dr. Peter K. Rogan Lab, Western University
No classification provided (evidence only). Condition: Cervical cancer. Review status: no classification provided. Collection method: in vitro. Allele origin: not applicable. Functional consequence: retained intron. Not counted in ClinVar's aggregate classification.

Dr. Peter K. Rogan Lab, Western University
No classification provided (evidence only). Condition: Hepatocellular carcinoma. Review status: no classification provided. Collection method: in vitro. Allele origin: not applicable. Functional consequence: retained intron. Not counted in ClinVar's aggregate classification.

NM_001369.3(DNAH5):c.1395C>T (p.Ser465=)

Gene: DNAH5 (dynein axonemal heavy chain 5; minus strand). Cytogenetic location: 5p15.2.
Variant type: single nucleotide variant.
Coding change: c.1395C>T on transcript NM_001369.3 (MANE Select); coding-DNA position 1395, C replaced by T.
Protein change: p.Ser465=; no amino-acid change (serine 465 retained).
Molecular consequence: synonymous variant.
Genome position (GRCh38, 1-based): chr5:13,913,884, G>A on the plus strand (C>T on the coding strand, the complement: DNAH5 is on the minus strand). VCF-style: chr5-13913884-G-A. GRCh37 (hg19) VCF-style: chr5-13913993-G-A.
Other names: p.Ser465=.
Identifiers: ClinVar variation 226594 (VCV000226594.28), dbSNP rs34580014, ClinGen allele CA3204866.
Genomic context (GRCh38, chr5:13,913,884, plus strand): 5'-GTCTATTATCTTGGCAAGGCGTCGGTGAAAAGTTTCGAATTTTCCAAAAATATACATCTC[G>A]CTAAAATCAAATTGTTTTGCATTTGGATTTTGTTTAAGCTTTTGTTTTGTCTTGTGAAAG-3'
Protein context (NP_001360.1, residues 455-475): QNPNAKQFDF[Ser465=]EMYIFGKFET